The following is an entry in ClinVar:

ClinVar aggregate classification (germline): Uncertain significance. Review status: criteria provided, multiple submitters, no conflicts (2 of 4 stars). 2 submissions from 2 submitters: Uncertain significance (2). Last evaluated 2024-05-28.

Conditions:
MEGF10-related myopathy (CMYO10A). Also called: Congenital myopathy 10A, severe variant. Identifiers: Orphanet 439212, MedGen C3280679, MONDO:0013731, OMIM 614399.
Inborn genetic diseases. Identifiers: MedGen C0950123, MeSH D030342.

Allele frequency attached by ClinVar (database versions not stated): gnomAD 0.00001; gnomAD exomes 0.00001; TOPMed 0.00001; ExAC 0.00002; ESP Exome Variant Server 0.00008.
gnomAD v4.1: 12 of 1,613,964 alleles (0.00074%); highest among the groups gnomAD compares: Non-Finnish European, 0.001%; no homozygotes.

Submissions (2):

Ambry Genetics
Classification: Uncertain significance for Inborn genetic diseases. Last evaluated: 2024-05-28. Review status: criteria provided, single submitter. Criteria: Ambry Variant Classification Scheme 2023. Collection method: clinical testing. Allele origin: germline.

Labcorp Genetics (formerly Invitae), Labcorp
Classification: Uncertain significance for MEGF10-related myopathy. Last evaluated: 2021-08-26. Review status: criteria provided, single submitter. Criteria: Invitae Variant Classification Sherloc (09022015). Collection method: clinical testing. Allele origin: germline.
Comment: This sequence change replaces phenylalanine with leucine at codon 780 of the MEGF10 protein (p.Phe780Leu). The phenylalanine residue is highly conserved and there is a small physicochemical difference between phenylalanine and leucine. This variant is present in population databases (rs371145876, ExAC 0.003%). This variant has not been reported in the literature in individuals affected with MEGF10-related conditions. Algorithms developed to predict the effect of missense changes on protein structure and function are either unavailable or do not agree on the potential impact of this missense change (SIFT: "Deleterious"; PolyPhen-2: "Probably Damaging"; Align-GVGD: "Class C15"). In summary, the available evidence is currently insufficient to determine the role of this variant in disease. Therefore, it has been classified as a Variant of Uncertain Significance.

NM_001256545.2(MEGF10):c.2338T>C (p.Phe780Leu)

Gene: MEGF10 (multiple EGF like domains 10; plus strand). Cytogenetic location: 5q23.2.
Variant type: single nucleotide variant.
Coding change: c.2338T>C on transcript NM_001256545.2 (MANE Select); coding-DNA position 2338, T replaced by C.
Protein change: p.Phe780Leu; replaces phenylalanine 780 with leucine.
Molecular consequence: missense variant.
Genome position (GRCh38, 1-based): chr5:127,440,843, T>C. VCF-style: chr5-127440843-T-C. GRCh37 (hg19) VCF-style: chr5-126776535-T-C.
Other names: c.2338T>C (NM_032446.2); c.2338T>C, p.Phe780Leu (NM_032446.3); short protein forms F780L.
Identifiers: ClinVar variation 2415187 (VCV002415187.8), dbSNP rs371145876, ClinGen allele CA3391902.